The following is an entry in ClinVar:

ClinVar aggregate classification (germline): Pathogenic. Review status: reviewed by expert panel (3 of 4 stars). 9 submissions from 9 submitters: Pathogenic (1). 8 of the submissions do not count toward it. Last evaluated 2016-04-22.

Conditions:
Genetic non-acquired premature ovarian failure. Identifiers: Orphanet 485382, MedGen C5925042.
Hereditary cancer-predisposing syndrome. Also called: Hereditary Cancer Syndrome; Tumor predisposition; Neoplastic Syndromes, Hereditary; Hereditary neoplastic syndrome. Identifiers: Orphanet 140162, MedGen C0027672, MeSH D009386, MONDO:0015356.
Hereditary breast ovarian cancer syndrome. Also called: Breast and ovarian cancer; BRCA1- and BRCA2-Associated Hereditary Breast and Ovarian Cancer; Hereditary breast and ovarian cancer; Hereditary breast and ovarian cancer syndrome (HBOC); Hereditary breast and ovarian cancer syndrome; Hereditary breast and/or ovarian cancer syndrome. Identifiers: Orphanet 145, MedGen C0677776, MeSH D061325, MONDO:0003582. Disease mechanism: loss of function.
Breast-ovarian cancer, familial, susceptibility to, 2 (BROVCA2). Also called: BRCA2 Hereditary Breast and Ovarian Cancer. Identifiers: Orphanet 145, MedGen C2675520, MONDO:0012933, OMIM 612555. Disease mechanism: loss of function.

Submissions (9):

Evidence-based Network for the Interpretation of Germline Mutant Alleles (ENIGMA)
Classification: Pathogenic for Breast-ovarian cancer, familial, susceptibility to, 2. Last evaluated: 2016-04-22. Review status: reviewed by expert panel. Criteria: ENIGMA BRCA1/2 Classification Criteria (2015). Collection method: curation. Allele origin: germline.
Comment: Variant allele predicted to encode a truncated non-functional protein.

OLLIN Analises Genomicas, OLLIN
Classification: Pathogenic for Breast-ovarian cancer, familial, susceptibility to, 2. Last evaluated: 2025-07-16. Review status: criteria provided, single submitter. Criteria: ACMG Guidelines 2015 PMID 25741868. Collection method: clinical testing. Allele origin: germline. Affected: yes. Observed: 1 variant allele. Not counted in ClinVar's aggregate classification.
Comment: The nonsense variant (chr13:32338795T>G), located in exon 11 (of 27), absent in gnomAD v4.1 non-UKB, is reported in ClinVar (VCV000051649.20) and in the scientific literature in individuals with breast and ovarian cancer (PMID: 15131399, 28724667, 29446198, 30702160). This variant introduces a premature stop codon, resulting in a truncated protein or mRNA degradation via NMD in an exon where other loss-of-function variants have already been proven pathogenic. According to currently available evidence and the specific ClinGen criteria for the gene (PMID: 39142283), this variant has been classified as pathogenic (PVS1, PM2_P, PM5_S).

GeneKor MSA
Classification: Pathogenic for Hereditary breast ovarian cancer syndrome. Last evaluated: 2025-05-15. Review status: criteria provided, single submitter. Criteria: ACMG Guidelines, 2015. Collection method: clinical testing. Allele origin: germline. Affected: yes. Not counted in ClinVar's aggregate classification.
Comment: This variant is a single amino acid change from Tyrosine to a premature translational stop signal at codon 1480 of the BRCA2 protein. This is expected to result in an absent or disrupted protein product. Truncating variants in BRCA2 are known to be pathogenic (PMID: 20104584). The mutation database ClinVar contains entries for this variant as pathogenic (VCV000051649.16). For these reasons this variant has been classified as pathogenic.

CeGaT Center for Human Genetics Tuebingen
Classification: Pathogenic. Last evaluated: 2025-03-01. Review status: criteria provided, single submitter. Criteria: CeGaT Center For Human Genetics Tuebingen Variant Classification Criteria Version 2. Collection method: clinical testing. Allele origin: germline. Affected: yes. Observed: 1 variant allele. Not counted in ClinVar's aggregate classification.
Comment: BRCA2: PVS1, PM2, PS4:Moderate

Labcorp Genetics (formerly Invitae), Labcorp
Classification: Pathogenic for Hereditary breast ovarian cancer syndrome. Last evaluated: 2024-10-02. Review status: criteria provided, single submitter. Criteria: Invitae Variant Classification Sherloc (09022015). Collection method: clinical testing. Allele origin: germline. Not counted in ClinVar's aggregate classification.
Comment: This sequence change creates a premature translational stop signal (p.Tyr1480*) in the BRCA2 gene. It is expected to result in an absent or disrupted protein product. Loss-of-function variants in BRCA2 are known to be pathogenic (PMID: 20104584). This variant is not present in population databases (gnomAD no frequency). This premature translational stop signal has been observed in individual(s) with breast cancer and/or ovarian cancer (PMID: 15131399, 28724667, 29446198, 30702160). ClinVar contains an entry for this variant (Variation ID: 51649). For these reasons, this variant has been classified as Pathogenic.

Ambry Genetics
Classification: Pathogenic for Hereditary cancer-predisposing syndrome. Last evaluated: 2022-02-20. Review status: criteria provided, single submitter. Criteria: Ambry Variant Classification Scheme 2023. Collection method: clinical testing. Allele origin: germline. Not counted in ClinVar's aggregate classification.
Comment: The p.Y1480* pathogenic mutation (also known as c.4440T>G), located in coding exon 10 of the BRCA2 gene, results from a T to G substitution at nucleotide position 4440. This changes the amino acid from a tyrosine to a stop codon within coding exon 10. This alteration has been identified in multiple hereditary breast and/or ovarian cancer families (Brozek I et al. Gynecol Oncol, 2008 Feb;108:433-7; Sun J et al. Clin Cancer Res, 2017 Oct;23:6113-6119; Koczkowska M et al. Cancers (Basel), 2018 Nov;10:; Machackova E et al. Klin Onkol, 2019;32:51-71; Rebbeck TR et al. Hum Mutat, 2018 05;39:593-620). This variant is considered to be rare based on population cohorts in the Genome Aggregation Database (gnomAD). In addition to the clinical data presented in the literature, this alteration is expected to result in loss of function by premature protein truncation or nonsense-mediated mRNA decay. As such, this alteration is interpreted as a disease-causing mutation.

GeneDx
Classification: Pathogenic. Last evaluated: 2016-06-01. Review status: criteria provided, single submitter. Criteria: GeneDx Variant Classification (06012015). Collection method: clinical testing. Allele origin: germline. Affected: yes. Not counted in ClinVar's aggregate classification.
Comment: This pathogenic variant is denoted BRCA2 c.4440T>G at the cDNA level and p.Tyr1480Ter (Y1480X) at the protein level. The substitution creates a nonsense variant, which changes a Tyrosine to a premature stop codon (TAT>TAG), and is predicted to cause loss of normal protein function through either protein truncation or nonsense-mediated mRNA decay. This variant, also denoted BRCA2 4668T>G using alternate nomenclature, has been observed in at least one patient with ovarian cancer (Brozek 2008) and is considered pathogenic.

Consortium of Investigators of Modifiers of BRCA1/2 (CIMBA), c/o University of Cambridge
Classification: Pathogenic for Breast-ovarian cancer, familial, susceptibility to, 2. Last evaluated: 2015-10-02. Review status: criteria provided, single submitter. Criteria: CIMBA Mutation Classification guidelines May 2016. Collection method: clinical testing. Allele origin: germline. Not counted in ClinVar's aggregate classification.

Center for Reproductive Medicine, Shandong Provincial Hospital Affiliated to Shandong University
Classification: Pathogenic for Genetic non-acquired premature ovarian failure. Last evaluated: 2018-10-01. Review status: no assertion criteria provided. Collection method: literature only. Allele origin: unknown. Affected: yes. Observed: 1 variant allele. Not counted in ClinVar's aggregate classification.

Literature cited by the submitters: PubMed 15131399 (cited by OLLIN Analises Genomicas, OLLIN and Labcorp Genetics (formerly Invitae), Labcorp); PubMed 28724667 (cited by 3 submitters); PubMed 29446198 (cited by 4 submitters); PubMed 30702160 (cited by OLLIN Analises Genomicas, OLLIN and Labcorp Genetics (formerly Invitae), Labcorp); PubMed 39142283 (cited by OLLIN Analises Genomicas, OLLIN); PubMed 20104584 (cited by GeneKor MSA and Labcorp Genetics (formerly Invitae), Labcorp); PubMed 17997147 (cited by Ambry Genetics); PubMed 30441849 (cited by Ambry Genetics); PubMed 31409081 (cited by Ambry Genetics).

NM_000059.4(BRCA2):c.4440T>G (p.Tyr1480Ter)

Gene: BRCA2 (BRCA2 DNA repair associated; plus strand). Cytogenetic location: 13q13.1.
Variant type: single nucleotide variant.
Coding change: c.4440T>G on transcript NM_000059.4 (MANE Select); coding-DNA position 4440, T replaced by G.
Protein change: p.Tyr1480Ter; replaces tyrosine 1480 with a stop codon.
Molecular consequence: nonsense.
Genome position (GRCh38, 1-based): chr13:32,338,795, T>G. VCF-style: chr13-32338795-T-G. GRCh37 (hg19) VCF-style: chr13-32912932-T-G.
Other names: 4668T>G; short protein forms Y1480*.
Identifiers: ClinVar variation 51649 (VCV000051649.25), dbSNP rs397507719, ClinGen allele CA020187.
Genomic context (GRCh38, chr13:32,338,795, plus strand): 5'-TTCCTTAAATTCTGAATTACATTCTGACATAAGAAAGAACAAAATGGACATTCTAAGTTA[T>G]GAGGAAACAGACATAGTTAAACACAAAATACTGAAAGAAAGTGTCCCAGTTGGTACTGGA-3'